The following is an entry in ClinVar:

ClinVar aggregate classification (germline): Uncertain significance (1 of 4 stars; one submission).

Conditions:
Hereditary cancer-predisposing syndrome. Also called: Neoplastic Syndromes, Hereditary; Tumor predisposition; Hereditary neoplastic syndrome; Hereditary Cancer Syndrome. Identifiers: Orphanet 140162, MedGen C0027672, MeSH D009386, MONDO:0015356.

Submission:

Ambry Genetics
Classification: Uncertain significance for Hereditary cancer-predisposing syndrome. Last evaluated: 2023-11-06. Review status: criteria provided, single submitter. Criteria: Ambry Variant Classification Scheme 2023. Collection method: clinical testing. Allele origin: germline.
Comment: The p.F182L variant (also known as c.544T>C), located in coding exon 3 of the PDGFRA gene, results from a T to C substitution at nucleotide position 544. The phenylalanine at codon 182 is replaced by leucine, an amino acid with highly similar properties. This amino acid position is conserved. In addition, this alteration is predicted to be tolerated by in silico analysis. Since supporting evidence is limited at this time, the clinical significance of this alteration remains unclear.

NM_006206.6(PDGFRA):c.544T>C (p.Phe182Leu)

Gene: PDGFRA (platelet derived growth factor receptor alpha; plus strand). Cytogenetic location: 4q12.
Variant type: single nucleotide variant.
Coding change: c.544T>C on transcript NM_006206.6 (MANE Select); coding-DNA position 544, T replaced by C.
Protein change: p.Phe182Leu; replaces phenylalanine 182 with leucine.
Molecular consequence: missense variant.
Genome position (GRCh38, 1-based): chr4:54,263,843, T>C. VCF-style: chr4-54263843-T-C. GRCh37 (hg19) VCF-style: chr4-55130010-T-C.
Other names: c.544T>C, p.Phe182Leu (NM_001347827.2, NM_001347829.2); c.619T>C, p.Phe207Leu (NM_001347828.2); c.583T>C, p.Phe195Leu (NM_001347830.2); short protein forms F182L, F195L, F207L.
Identifiers: ClinVar variation 3225310 (VCV003225310.1), dbSNP rs2110252863, ClinGen allele CA356890054.